The following is an entry in ClinVar:

ClinVar aggregate classification (germline): Likely benign. Review status: criteria provided, multiple submitters, no conflicts (2 of 4 stars). 2 submissions from 2 submitters: Likely benign (2). Last evaluated 2025-01-29.

Conditions:
SCLT1-related disorder. Also called: SCLT1-related condition.

Allele frequency attached by ClinVar (database versions not stated): gnomAD 0.00002.
gnomAD v4.1: 3 of 1,542,658 alleles (0.00019%); highest among the groups gnomAD compares: African/African-American, 0.0041%; no homozygotes.

Submissions (2):

PreventionGenetics, part of Exact Sciences
Classification: Likely benign for SCLT1-related condition. Last evaluated: 2025-01-29. Review status: criteria provided, single submitter. Criteria: ACMG Guidelines, 2015. Collection method: clinical testing. Allele origin: germline.
Comment: This variant is classified as likely benign based on ACMG/AMP sequence variant interpretation guidelines (Richards et al. 2015 PMID: 25741868, with internal and published modifications).

Labcorp Genetics (formerly Invitae), Labcorp
Classification: Likely benign. Last evaluated: 2024-02-24. Review status: criteria provided, single submitter. Criteria: Invitae Variant Classification Sherloc (09022015). Collection method: clinical testing. Allele origin: germline.

NM_144643.4(SCLT1):c.186G>A (p.Glu62=)

Gene: SCLT1 (sodium channel and clathrin linker 1; minus strand). Cytogenetic location: 4q28.2.
Variant type: single nucleotide variant.
Coding change: c.186G>A on transcript NM_144643.4 (MANE Select); coding-DNA position 186, G replaced by A.
Protein change: p.Glu62=; no amino-acid change (glutamic acid 62 retained).
Molecular consequence: synonymous variant.
Genome position (GRCh38, 1-based): chr4:129,043,443, C>T on the plus strand (G>A on the coding strand, the complement: SCLT1 is on the minus strand). VCF-style: chr4-129043443-C-T. GRCh37 (hg19) VCF-style: chr4-129964598-C-T.
Other names: c.186G>A, p.Glu62= (NM_001300897.2, NM_001300898.2); c.186G>A (NM_144643.3).
Identifiers: ClinVar variation 1631124 (VCV001631124.9), dbSNP rs1464033314, ClinGen allele CA441231565.